The following is an entry in ClinVar:

NM_031220.4(PITPNM3):c.496C>G (p.Arg166Gly)

Gene: PITPNM3 (PITPNM family member 3; minus strand). Cytogenetic location: 17p13.2.
Variant type: single nucleotide variant.
Coding change: c.496C>G on transcript NM_031220.4 (MANE Select); coding-DNA position 496, C replaced by G.
Protein change: p.Arg166Gly; replaces arginine 166 with glycine.
Molecular consequence: missense variant.
Genome position (GRCh38, 1-based): chr17:6,483,608, G>C on the plus strand (C>G on the coding strand, the complement: PITPNM3 is on the minus strand). VCF-style: chr17-6483608-G-C. GRCh37 (hg19) VCF-style: chr17-6386928-G-C.
Other names: c.388C>G, p.Arg130Gly (NM_001165966.2); short protein forms R130G, R166G.
Identifiers: ClinVar variation 3003960 (VCV003003960.3), dbSNP rs779013868, ClinGen allele CA8329813.
Genomic context (GRCh38, chr17:6,483,608, plus strand): 5'-TGGCAGGACAGGGGACGAACTTGATGAGGATGTGGCCCAGGGCAGCAGGGAAATGGGCTC[G>C]TGTGACCTTCTCCAGCACGGAGCTGAAGGTGTGGATGTCGGCTGCCTTGCAGGACGGGTC-3'
Protein context (NP_112497.2, residues 156-176): TFSSVLEKVT[Arg166Gly]AHFPAALGHI

ClinVar aggregate classification (germline): Uncertain significance (1 of 4 stars; one submission).

Allele frequency attached by ClinVar (database versions not stated): ExAC 0.00002.
gnomAD v4.1: 6 of 1,614,100 alleles (0.00037%); highest among the groups gnomAD compares: South Asian, 0.0044%; no homozygotes.

Submission:

Labcorp Genetics (formerly Invitae), Labcorp
Classification: Uncertain significance. Last evaluated: 2022-11-08. Review status: criteria provided, single submitter. Criteria: Invitae Variant Classification Sherloc (09022015). Collection method: clinical testing. Allele origin: germline.
Comment: In summary, the available evidence is currently insufficient to determine the role of this variant in disease. Therefore, it has been classified as a Variant of Uncertain Significance. This sequence change replaces arginine, which is basic and polar, with glycine, which is neutral and non-polar, at codon 166 of the PITPNM3 protein (p.Arg166Gly). This variant is present in population databases (rs779013868, gnomAD 0.01%). This variant has not been reported in the literature in individuals affected with PITPNM3-related conditions. Advanced modeling of protein sequence and biophysical properties (such as structural, functional, and spatial information, amino acid conservation, physicochemical variation, residue mobility, and thermodynamic stability) performed at Invitae indicates that this missense variant is not expected to disrupt PITPNM3 protein function.